The following is an entry in ClinVar:

NM_002582.4(PARN):c.757G>C (p.Glu253Gln)

Gene: PARN (poly(A)-specific ribonuclease; minus strand). Cytogenetic location: 16p13.12.
Variant type: single nucleotide variant.
Coding change: c.757G>C on transcript NM_002582.4 (MANE Select); coding-DNA position 757, G replaced by C.
Protein change: p.Glu253Gln; replaces glutamic acid 253 with glutamine.
Molecular consequence: missense variant.
Genome position (GRCh38, 1-based): chr16:14,604,172, C>G on the plus strand (G>C on the coding strand, the complement: PARN is on the minus strand). VCF-style: chr16-14604172-C-G. GRCh37 (hg19) VCF-style: chr16-14698029-C-G.
Other names: c.574G>C, p.Glu192Gln (NM_001134477.3); c.619G>C, p.Glu207Gln (NM_001242992.2); short protein forms E253Q, E192Q, E207Q.
Identifiers: ClinVar variation 4783061 (VCV004783061.1).

ClinVar aggregate classification (germline): Uncertain significance (1 of 4 stars; one submission).

Conditions:
Pulmonary fibrosis and/or bone marrow failure, Telomere-related, 4. Also called: PULMONARY FIBROSIS AND/OR BONE MARROW FAILURE SYNDROME, TELOMERE-RELATED, 4. Identifiers: Orphanet 2032, MedGen C4225347, MONDO:0014612, OMIM 616371.
Dyskeratosis congenita, autosomal recessive 6 (DKCB6). Identifiers: MedGen C4225356, MONDO:0014600, OMIM 616353.

Submission:

Labcorp Genetics (formerly Invitae), Labcorp
Classification: Uncertain significance for Dyskeratosis congenita, autosomal recessive 6; Pulmonary fibrosis and/or bone marrow failure, Telomere-related, 4. Last evaluated: 2025-12-17. Review status: criteria provided, single submitter. Criteria: Invitae Variant Classification Sherloc (09022015). Collection method: clinical testing. Allele origin: germline.
Comment: This sequence change replaces glutamic acid, which is acidic and polar, with glutamine, which is neutral and polar, at codon 253 of the PARN protein (p.Glu253Gln). This variant is not present in population databases (gnomAD no frequency). This variant has not been reported in the literature in individuals affected with PARN-related conditions. Invitae Evidence Modeling of protein sequence and biophysical properties (such as structural, functional, and spatial information, amino acid conservation, physicochemical variation, residue mobility, and thermodynamic stability) indicates that this missense variant is not expected to disrupt PARN protein function with a negative predictive value of 80%. In summary, the available evidence is currently insufficient to determine the role of this variant in disease. Therefore, it has been classified as a Variant of Uncertain Significance.